The following is an entry in ClinVar:

ClinVar aggregate classification (germline): Uncertain significance (1 of 4 stars; one submission).

Conditions:
Inborn genetic diseases. Identifiers: MedGen C0950123, MeSH D030342.

Submission:

Ambry Genetics
Classification: Uncertain significance for Inborn genetic diseases. Last evaluated: 2025-11-03. Review status: criteria provided, single submitter. Criteria: Ambry Variant Classification Scheme 2023. Collection method: clinical testing. Allele origin: germline.
Comment: The c.1231-9T>A intronic variant results from a T to A substitution 9 nucleotides upstream from coding exon 12 in the DDX41 gene. In silico splice site analysis predicts that this alteration may weaken the native splice acceptor site and will result in the creation or strengthening of a novel splice acceptor site; however, direct evidence is insufficient at this time (Ambry internal data). Based on the available evidence, the clinical significance of this variant remains unclear.

NM_016222.4(DDX41):c.1231-9T>A

Gene: DDX41 (DEAD-box helicase 41; minus strand). Cytogenetic location: 5q35.3.
Variant type: single nucleotide variant.
Coding change: c.1231-9T>A on transcript NM_016222.4 (MANE Select); 9 bases into the intron before coding-DNA position 1231, T replaced by A.
Molecular consequence: intron variant.
Genome position (GRCh38, 1-based): chr5:177,513,091, A>T on the plus strand (T>A on the coding strand, the complement: DDX41 is on the minus strand). VCF-style: chr5-177513091-A-T. GRCh37 (hg19) VCF-style: chr5-176940092-A-T.
Other names: c.853-9T>A (NM_001321830.2, NM_001321732.2).
Identifiers: ClinVar variation 4617175 (VCV004617175.1).